The following is an entry in ClinVar:

NM_001358921.2(COQ2):c.115C>A (p.His39Asn)

Genes: COQ2 (coenzyme Q2, polyprenyltransferase; minus strand), LOC112997540 (Sharpr-MPRA regulatory region 13773; plus strand). Cytogenetic location: 4q21.23.
Variant type: single nucleotide variant.
Coding change: c.115C>A on transcript NM_001358921.2 (MANE Select); coding-DNA position 115, C replaced by A.
Protein change: p.His39Asn; replaces histidine 39 with asparagine.
Molecular consequence: missense variant.
Genome position (GRCh38, 1-based): chr4:83,284,650, G>T on the plus strand (C>A on the coding strand, the complement: COQ2 is on the minus strand). VCF-style: chr4-83284650-G-T. GRCh37 (hg19) VCF-style: chr4-84205803-G-T.
Other names: c.265C>A, p.His89Asn (NM_015697.9); short protein forms H89N, H39N.
Identifiers: ClinVar variation 4977967 (VCV004977967.1).

ClinVar aggregate classification (germline): Uncertain significance (1 of 4 stars; one submission).

Conditions:
COQ2-related disorder. Also called: COQ2-related condition.

gnomAD v4.1: 8 of 1,466,018 alleles (0.00055%); highest among the groups gnomAD compares: Non-Finnish European, 0.00072%; no homozygotes.

Submission:

PreventionGenetics, part of Exact Sciences
Classification: Uncertain significance for COQ2-related condition. Last evaluated: 2024-10-18. Review status: criteria provided, single submitter. Criteria: ACMG Guidelines, 2015. Collection method: clinical testing. Allele origin: germline.
Comment: The COQ2 c.265C>A variant is predicted to result in the amino acid substitution p.His89Asn. To our knowledge, this variant has not been reported in the literature or in a large population database (gnomAD), indicating this variant is rare. At this time, the clinical significance of this variant is uncertain due to the absence of conclusive functional and genetic evidence.